The following is an entry in ClinVar:

ClinVar aggregate classification (germline): Uncertain significance (1 of 4 stars; one submission).

Submission:

GeneDx
Classification: Uncertain significance. Last evaluated: 2023-04-06. Review status: criteria provided, single submitter. Criteria: GeneDx Variant Classification Process June 2021. Collection method: clinical testing. Allele origin: germline. Affected: yes.
Comment: Not observed at significant frequency in large population cohorts (gnomAD); In silico analysis supports that this missense variant does not alter protein structure/function; Has not been previously published as pathogenic or benign to our knowledge

NM_015215.4(CAMTA1):c.4022G>C (p.Gly1341Ala)

Genes: CAMTA1 (calmodulin binding transcription activator 1; plus strand), LOC126805603 (CDK7 strongly-dependent group 2 enhancer GRCh37_chr1:7798026-7799225; plus strand). Cytogenetic location: 1p36.23.
Variant type: single nucleotide variant.
Coding change: c.4022G>C on transcript NM_015215.4 (MANE Select); coding-DNA position 4022, G replaced by C.
Protein change: p.Gly1341Ala; replaces glycine 1341 with alanine.
Molecular consequence: missense variant.
Genome position (GRCh38, 1-based): chr1:7,738,322, G>C. VCF-style: chr1-7738322-G-C. GRCh37 (hg19) VCF-style: chr1-7798382-G-C.
Other names: c.3932G>C, p.Gly1311Ala (NM_001349608.2); c.3683G>C, p.Gly1228Ala (NM_001349609.2, NM_001349610.2, NM_001410737.1); c.3593G>C, p.Gly1198Ala (NM_001349612.2); c.1151G>C, p.Gly384Ala (NM_001349613.1); c.1094G>C, p.Gly365Ala (NM_001349614.1, NM_001349615.2, NM_001349616.2 and 2 more transcripts); c.755G>C, p.Gly252Ala (NM_001349619.2, NM_001349620.1, NM_001349621.1 and 5 more transcripts); c.3611G>C, p.Gly1204Ala (NM_001410738.1); short protein forms G1198A, G1204A, G1228A, G1311A, G1341A, G252A, G365A, G384A.
Identifiers: ClinVar variation 2662516 (VCV002662516.1), dbSNP rs2096785686, ClinGen allele CA338134458.
Genomic context (GRCh38, chr1:7,738,322, plus strand): 5'-GGAATTCCAAAGATCTTTACATTGGTGTGTCTACAGTACAGGTGACTGGAAATCCGAAGG[G>C]GACCAGTGTAGGAAAGGAGGCAGCACCTTCACAGGTGCGTCCACGGGAACCAATGAGTGT-3'
Protein context (NP_056030.1, residues 1331-1351): STVQVTGNPK[Gly1341Ala]TSVGKEAAPS